The following is an entry in ClinVar:

ClinVar aggregate classification (germline): Uncertain significance. Review status: criteria provided, multiple submitters, no conflicts (2 of 4 stars). 3 submissions from 3 submitters: Uncertain significance (3). Last evaluated 2026-06-29.

Conditions:
Hereditary cancer-predisposing syndrome. Also called: Tumor predisposition; Hereditary Cancer Syndrome; Hereditary neoplastic syndrome; Neoplastic Syndromes, Hereditary. Identifiers: Orphanet 140162, MedGen C0027672, MeSH D009386, MONDO:0015356.
Retinoblastoma (RB1). Also called: RETINOBLASTOMA, SOMATIC. Identifiers: Orphanet 790, MedGen C0035335, MeSH D012175, MONDO:0008380, OMIM 180200, HP:0009919. Disease mechanism: loss of function. Inheritance: Both sporadic and heritable forms are tested..

Allele frequency attached by ClinVar (database versions not stated): gnomAD exomes below 0.00001.
gnomAD v4.1: 1 of 1,613,466 alleles (0.000062%); highest among the groups gnomAD compares: Non-Finnish European, 0.000085%; no homozygotes.

Submissions (3):

Ambry Genetics
Classification: Uncertain significance for Hereditary cancer-predisposing syndrome. Last evaluated: 2026-06-29. Review status: criteria provided, single submitter. Criteria: Ambry Variant Classification Scheme 2023. Collection method: clinical testing. Allele origin: germline.
Comment: The c.719-2A>C intronic variant results from an A to C substitution two nucleotides upstream from coding exon 8 in the RB1 gene. This nucleotide position is highly conserved in available vertebrate species. In silico splice site analysis predicts that this alteration will weaken the native splice acceptor site and will result in the creation or strengthening of a novel splice acceptor site. RNA studies have demonstrated that this alteration results in a transcript predicted to lead to a protein with an in-frame deletion of three amino acids and insertion of one amino acid; however, the exact functional impact of the deleted/inserted amino acids are unknown at this time (Ambry internal data). Based on the available evidence, the clinical significance of this variant remains unclear.

Color Diagnostics, LLC DBA Color Health
Classification: Uncertain significance for Retinoblastoma. Last evaluated: 2025-07-23. Review status: criteria provided, single submitter. Criteria: ACMG Guidelines, 2015. Collection method: clinical testing. Allele origin: germline.
Comment: This variant causes an A to C nucleotide substitution at the -2 position of intron 7 of the RB1 gene. Splice prediction tools suggest that this variant may disrupt RNA splicing. The native acceptor site is expected to be abolished in favor of a cryptic acceptor 6bp downstream in exon 8, resulting in a 3 amino acid deletion and 1 amino acid insertion (p.Lys240_Ala242delinsThr). Unpublished RNA studies appear to have confirmed these predictions (ClinVar SCV005034605.2). The functional consequence of deletion or substitution of these amino acids is unknown. This variant has not been reported in individuals affected with RB1-related disorders in the literature. This variant has not been identified in the general population by the Genome Aggregation Database (gnomAD). The available evidence is insufficient to determine the role of this variant in disease conclusively. Therefore, this variant is classified as a Variant of Uncertain Significance.

Labcorp Genetics (formerly Invitae), Labcorp
Classification: Uncertain significance for Retinoblastoma. Last evaluated: 2022-07-12. Review status: criteria provided, single submitter. Criteria: Invitae Variant Classification Sherloc (09022015). Collection method: clinical testing. Allele origin: germline.
Comment: This sequence change affects an acceptor splice site in intron 7 of the RB1 gene. It is expected to disrupt RNA splicing. Variants that disrupt the donor or acceptor splice site typically lead to a loss of protein function (PMID: 16199547), and loss-of-function variants in RB1 are known to be pathogenic (PMID: 17096365). In summary, the available evidence is currently insufficient to determine the role of this variant in disease. Therefore, it has been classified as a Variant of Uncertain Significance. Algorithms developed to predict the effect of sequence changes on RNA splicing suggest that this variant may disrupt the consensus splice site. ClinVar contains an entry for this variant (Variation ID: 1020043). This variant has not been reported in the literature in individuals affected with RB1-related conditions. This variant is not present in population databases (gnomAD no frequency).

Literature cited by the submitters: PubMed 16199547 (cited by Labcorp Genetics (formerly Invitae), Labcorp); PubMed 17096365 (cited by Labcorp Genetics (formerly Invitae), Labcorp).

NM_000321.3(RB1):c.719-2A>C

Gene: RB1 (RB transcriptional corepressor 1; plus strand). Cytogenetic location: 13q14.2.
Variant type: single nucleotide variant.
Coding change: c.719-2A>C on transcript NM_000321.3 (MANE Select); the canonical splice acceptor site of the intron before coding-DNA position 719, A replaced by C.
Molecular consequence: splice acceptor variant.
Genome position (GRCh38, 1-based): chr13:48,362,813, A>C. VCF-style: chr13-48362813-A-C. GRCh37 (hg19) VCF-style: chr13-48936949-A-C.
Other names: c.719-2A>C (NM_000321.2, NM_001407165.1, NM_001407166.1).
Identifiers: ClinVar variation 1020043 (VCV001020043.10), dbSNP rs1952654925, ClinGen allele CA388159202.